The following is an entry in ClinVar:

ClinVar aggregate classification (germline): Conflicting classifications of pathogenicity. Review status: criteria provided, conflicting classifications (1 of 4 stars). 7 submissions from 7 submitters: Uncertain significance (1); Benign (3). 3 of the submissions do not count toward it. Last evaluated 2025-06-03.

Conditions:
Monogenic diabetes. Identifiers: Orphanet 183625, MedGen C3888631, MONDO:0015967.
SIM1-related disorder. Also called: SIM1-related condition; SIM1-related disorders.
Obesity due to SIM1 deficiency. Identifiers: Orphanet 369873, MedGen C5191050, MONDO:0018244.

Allele frequency attached by ClinVar (database versions not stated): 1000 Genomes Project 30x 0.00031; 1000 Genomes Project 0.00040; ESP Exome Variant Server 0.00054; TOPMed 0.00058; gnomAD 0.00115 and 0.00122; ExAC 0.00124; gnomAD exomes 0.00128.
gnomAD v4.1: 2,104 of 1,614,060 alleles (0.13%); highest among the groups gnomAD compares: Non-Finnish European, 0.12%; 8 homozygotes.

Submissions (7):

Labcorp Genetics (formerly Invitae), Labcorp
Classification: Benign. Last evaluated: 2025-06-03. Review status: criteria provided, single submitter. Criteria: Invitae Variant Classification Sherloc (09022015). Collection method: clinical testing. Allele origin: germline.

Personalized Diabetes Medicine Program, University of Maryland School of Medicine
Classification: Uncertain significance for Monogenic diabetes. Last evaluated: 2018-10-19. Review status: criteria provided, single submitter. Criteria: ACMG Guidelines, 2015. Collection method: research. Allele origin: unknown. Observed: 1 variant allele, 1 heterozygote.
Comment: No PS3 bc PMID: 23778136 shows mild LOF (retains 80% of WT activity) via luciferase gene reporter assay. Variant was observed in controls and obsese pts. (REVEL 0.434 + PP3/5 predictors + BP4/4 predictors= conflicting evidence, not using)

Genetic Services Laboratory, University of Chicago
Classification: Benign. Last evaluated: 2017-08-08. Review status: criteria provided, single submitter. Criteria: ACMG Guidelines, 2015. Collection method: clinical testing. Allele origin: germline. Affected: no.

Illumina Laboratory Services, Illumina
Classification: Benign for Obesity due to SIM1 deficiency. Last evaluated: 2017-04-27. Review status: criteria provided, single submitter. Criteria: ICSL Variant Classification Criteria 13 December 2019. Collection method: clinical testing. Allele origin: germline.
Comment: This variant was observed as part of a predisposition screen in an ostensibly healthy population. A literature search was performed for the gene, cDNA change, and amino acid change (where applicable). Publications were found based on this search. The evidence from the literature, in combination with allele frequency data from public databases where available, was sufficient to rule this variant out of causing disease. Therefore, this variant is classified as benign.

PreventionGenetics, part of Exact Sciences
Classification: Likely benign for SIM1-related condition. Last evaluated: 2021-11-05. Review status: no assertion criteria provided. Collection method: clinical testing. Allele origin: germline. Not counted in ClinVar's aggregate classification.
Comment: This variant is classified as likely benign based on ACMG/AMP sequence variant interpretation guidelines (Richards et al. 2015 PMID: 25741868, with internal and published modifications).

Clinical Genetics, Academic Medical Center
Classification: Likely benign. Review status: no assertion criteria provided. Collection method: clinical testing. Allele origin: germline. Affected: yes. Study: VKGL Data-share Consensus. Not counted in ClinVar's aggregate classification.

Genome Diagnostics Laboratory, University Medical Center Utrecht
Classification: Benign. Review status: no assertion criteria provided. Collection method: clinical testing. Allele origin: germline. Affected: yes. Study: VKGL Data-share Consensus. Not counted in ClinVar's aggregate classification.

Literature cited by the submitters: PubMed 23778139 (cited by Personalized Diabetes Medicine Program, University of Maryland School of Medicine and Illumina Laboratory Services, Illumina); PubMed 16924270 (cited by Personalized Diabetes Medicine Program, University of Maryland School of Medicine and Illumina Laboratory Services, Illumina); PubMed 23778136 (cited by Personalized Diabetes Medicine Program, University of Maryland School of Medicine and Illumina Laboratory Services, Illumina).

NM_005068.3(SIM1):c.383T>C (p.Ile128Thr)

Gene: SIM1 (SIM bHLH transcription factor 1; minus strand). Cytogenetic location: 6q16.3.
Variant type: single nucleotide variant.
Coding change: c.383T>C on transcript NM_005068.3 (MANE Select); coding-DNA position 383, T replaced by C.
Protein change: p.Ile128Thr; replaces isoleucine 128 with threonine.
Molecular consequence: missense variant.
Genome position (GRCh38, 1-based): chr6:100,449,665, A>G on the plus strand (T>C on the coding strand, the complement: SIM1 is on the minus strand). VCF-style: chr6-100449665-A-G. GRCh37 (hg19) VCF-style: chr6-100897541-A-G.
Other names: c.383T>C, p.Ile128Thr (NM_001374769.1); short protein forms I128T.
Identifiers: ClinVar variation 729151 (VCV000729151.20), dbSNP rs138546433, ClinGen allele CA3937330.